The following is an entry in ClinVar:

NM_006493.4(CLN5):c.692G>A (p.Cys231Tyr)

Gene: CLN5 (CLN5 lysosomal BMP synthase; plus strand). Cytogenetic location: 13q22.3.
Variant type: single nucleotide variant.
Coding change: c.692G>A on transcript NM_006493.4 (MANE Select); coding-DNA position 692, G replaced by A.
Protein change: p.Cys231Tyr; replaces cysteine 231 with tyrosine.
Molecular consequence: missense variant. On other transcripts: 3 prime UTR variant (1).
Genome position (GRCh38, 1-based): chr13:77,000,584, G>A. VCF-style: chr13-77000584-G-A. GRCh37 (hg19) VCF-style: chr13-77574719-G-A.
Other names: c.*141G>A (NM_001366624.2); short protein forms C231Y.
Identifiers: ClinVar variation 843933 (VCV000843933.7), dbSNP rs200419110, ClinGen allele CA7007246.

ClinVar aggregate classification (germline): Uncertain significance. Review status: criteria provided, single submitter (1 of 4 stars). 2 submissions from 2 submitters: Uncertain significance (1). 1 of the submissions does not count toward it. Last evaluated 2022-07-06.

Conditions:
Neuronal ceroid lipofuscinosis 5 (CLN5). Also called: CEROID LIPOFUSCINOSIS, NEURONAL, 5, VARIABLE AGE AT ONSET; Neuronal ceroid lipofuscinosis Finnish variant; NEURONAL CEROID LIPOFUSCINOSIS, LATE INFANTILE, FINNISH VARIANT; CLN5-Related Neuronal Ceroid-Lipofuscinosis. Identifiers: Orphanet 168491, Orphanet 228360, MedGen C1850442, MONDO:0009745, OMIM 256731.
Neuronal ceroid lipofuscinosis. Also called: Neuronal Ceroid Lipofuscinoses. Identifiers: Orphanet 216, Orphanet 79263, MedGen C0027877, MONDO:0016295. Disease mechanism: loss of function.

Allele frequency attached by ClinVar (database versions not stated): gnomAD exomes 0.00001; TOPMed 0.00001; ExAC 0.00002; 1000 Genomes Project 30x 0.00016; 1000 Genomes Project 0.00020.
gnomAD v4.1: 4 of 1,614,094 alleles (0.00025%); highest among the groups gnomAD compares: East Asian, 0.0022%; no homozygotes.

Submissions (2):

Labcorp Genetics (formerly Invitae), Labcorp
Classification: Uncertain significance for Neuronal ceroid lipofuscinosis. Last evaluated: 2022-07-06. Review status: criteria provided, single submitter. Criteria: Invitae Variant Classification Sherloc (09022015). Collection method: clinical testing. Allele origin: germline.
Comment: This sequence change replaces cysteine, which is neutral and slightly polar, with tyrosine, which is neutral and polar, at codon 280 of the CLN5 protein (p.Cys280Tyr). This variant is present in population databases (rs200419110, gnomAD 0.007%). This variant has not been reported in the literature in individuals affected with CLN5-related conditions. ClinVar contains an entry for this variant (Variation ID: 843933). Algorithms developed to predict the effect of missense changes on protein structure and function (SIFT, PolyPhen-2, Align-GVGD) all suggest that this variant is likely to be disruptive. In summary, the available evidence is currently insufficient to determine the role of this variant in disease. Therefore, it has been classified as a Variant of Uncertain Significance.

Hong-Tao Li Lab, Institute of Brain Science and Brain-inspired Research, Shandong First Medical University & Shandong Academy of Medical Sciences China
Classification: Uncertain significance for Neuronal ceroid lipofuscinosis 5. Review status: no assertion criteria provided. Collection method: research. Allele origin: germline. Inheritance: Autosomal recessive inheritance. Affected: yes. Observed: 1 variant allele, 1 homozygote. Not counted in ClinVar's aggregate classification.
Comment: Observed in affected individuals from a Pakistani neurodevelopmental-disorder research cohort of 263 individuals. Classification assigned using the ACMG/AMP framework. Population-frequency evidence: gnomAD AF 7.957e-06.